The following is an entry in ClinVar:

NM_015272.5(RPGRIP1L):c.206G>A (p.Arg69His)

Gene: RPGRIP1L (RPGRIP1 like; minus strand). Cytogenetic location: 16q12.2.
Variant type: single nucleotide variant.
Coding change: c.206G>A on transcript NM_015272.5 (MANE Select); coding-DNA position 206, G replaced by A.
Protein change: p.Arg69His; replaces arginine 69 with histidine.
Molecular consequence: missense variant.
Genome position (GRCh38, 1-based): chr16:53,696,175, C>T on the plus strand (G>A on the coding strand, the complement: RPGRIP1L is on the minus strand). VCF-style: chr16-53696175-C-T. GRCh37 (hg19) VCF-style: chr16-53730087-C-T.
Other names: c.206G>A (NM_015272.4); c.206G>A, p.Arg69His (NM_001127897.4, NM_001308334.3, NM_001328422.2 and 2 more transcripts); short protein forms R69H.
Identifiers: ClinVar variation 530910 (VCV000530910.16), dbSNP rs574091991, ClinGen allele CA8058187.

ClinVar aggregate classification (germline): Benign/Likely benign. Review status: criteria provided, multiple submitters, no conflicts (2 of 4 stars). 4 submissions from 4 submitters: Benign (1); Likely benign (2). 1 of the submissions does not count toward it. Last evaluated 2026-01-26.

Conditions:
Joubert syndrome 7 (JBTS7). Identifiers: Orphanet 220497, MedGen C1969053, MONDO:0012694, OMIM 611560.
COACH syndrome 3. Identifiers: MedGen C5436841, MONDO:0030862, OMIM 619113.
Meckel syndrome, type 5 (MKS5). Identifiers: Orphanet 564, MedGen C1969052, MONDO:0012695, OMIM 611561.
RPGRIP1L-related disorder. Also called: RPGRIP1L-related disorders; RPGRIP1L-related condition. Identifiers: MedGen CN239416.
Meckel-Gruber syndrome. Also called: Dysencephalia splachnocystica; DYSENCEPHALIA SPLANCHNOCYSTICA; GRUBER SYNDROME. Identifiers: Orphanet 564, MedGen C0265215, MONDO:0018921.
Joubert syndrome. Also called: Familial aplasia of the vermis; JOUBERT-BOLTSHAUSER SYNDROME. Identifiers: Orphanet 475, MedGen C5979921, MONDO:0018772.

Allele frequency attached by ClinVar (database versions not stated): gnomAD below 0.00001 and 0.00011; TOPMed 0.00003; 1000 Genomes Project 30x 0.00156; 1000 Genomes Project 0.00200.
gnomAD v4.1: 222 of 1,613,868 alleles (0.014%); highest among the groups gnomAD compares: South Asian, 0.21%; 5 homozygotes.

Submissions (4):

Labcorp Genetics (formerly Invitae), Labcorp
Classification: Benign for Joubert syndrome; Meckel-Gruber syndrome. Last evaluated: 2026-01-26. Review status: criteria provided, single submitter. Criteria: Invitae Variant Classification Sherloc (09022015). Collection method: clinical testing. Allele origin: germline.

Blueprint Genetics
Classification: Likely benign. Last evaluated: 2024-11-27. Review status: criteria provided, single submitter. Criteria: ACMG Guidelines, 2015. Collection method: clinical testing. Allele origin: germline.

Fulgent Genetics
Classification: Likely benign for Joubert syndrome 7; Meckel syndrome, type 5; COACH syndrome 3. Last evaluated: 2021-07-20. Review status: criteria provided, single submitter. Criteria: ACMG Guidelines, 2015. Collection method: clinical testing. Allele origin: unknown.

PreventionGenetics, part of Exact Sciences
Classification: Likely benign for RPGRIP1L-related condition. Last evaluated: 2023-03-09. Review status: no assertion criteria provided. Collection method: clinical testing. Allele origin: germline. Not counted in ClinVar's aggregate classification.
Comment: This variant is classified as likely benign based on ACMG/AMP sequence variant interpretation guidelines (Richards et al. 2015 PMID: 25741868, with internal and published modifications).